The following is an entry in ClinVar:

ClinVar aggregate classification (germline): Likely benign. Review status: criteria provided, multiple submitters, no conflicts (2 of 4 stars). 2 submissions from 2 submitters: Likely benign (2). Last evaluated 2026-06-07.

Conditions:
POLG-related disorder. Also called: POLG-Related Spectrum Disorders; POLG-related condition; POLG-Related Disorders. Identifiers: MedGen C4763519.
Progressive sclerosing poliodystrophy (MTDPS4A). Also called: ALPERS PROGRESSIVE INFANTILE POLIODYSTROPHY; Mitochondrial DNA depletion syndrome 4A (Alpers type); ALPERS DIFFUSE DEGENERATION OF CEREBRAL GRAY MATTER WITH HEPATIC CIRRHOSIS; Alpers-Huttenlocher Syndrome; Mitochondrial DNA Depletion Syndrome 4A; Alpers-Huttenlocher Syndrome (AHS). Identifiers: Orphanet 726, MedGen C0205710, MONDO:0008758, OMIM 203700.

Allele frequency attached by ClinVar (database versions not stated): gnomAD exomes below 0.00001.
gnomAD v4.1: 3 of 1,610,852 alleles (0.00019%); highest among the groups gnomAD compares: Non-Finnish European, 0.00017%; no homozygotes.

Submissions (2):

PreventionGenetics, part of Exact Sciences
Classification: Likely benign for POLG-related condition. Last evaluated: 2026-06-07. Review status: criteria provided, single submitter. Criteria: ACMG Guidelines, 2015. Collection method: clinical testing. Allele origin: germline.
Comment: This variant is classified as likely benign based on ACMG/AMP sequence variant interpretation guidelines (Richards et al. 2015 PMID: 25741868, with internal and published modifications).

Labcorp Genetics (formerly Invitae), Labcorp
Classification: Likely benign for Progressive sclerosing poliodystrophy. Last evaluated: 2023-11-10. Review status: criteria provided, single submitter. Criteria: Invitae Variant Classification Sherloc (09022015). Collection method: clinical testing. Allele origin: germline.

NM_002693.3(POLG):c.300G>T (p.Val100=)

Genes: POLG (DNA polymerase gamma, catalytic subunit; minus strand), POLGARF (POLG alternative reading frame; minus strand). Cytogenetic location: 15q26.1.
Variant type: single nucleotide variant.
Coding change: c.300G>T on transcript NM_002693.3 (MANE Select); coding-DNA position 300, G replaced by T.
Protein change: p.Val100=; no amino-acid change (valine 100 retained).
Molecular consequence: synonymous variant.
Genome position (GRCh38, 1-based): chr15:89,333,455, C>A on the plus strand (G>T on the coding strand, the complement: POLG is on the minus strand). VCF-style: chr15-89333455-C-A. GRCh37 (hg19) VCF-style: chr15-89876686-C-A.
Other names: c.300G>T, p.Val100= (NM_001126131.2); c.300G>T (NM_002693.2).
Identifiers: ClinVar variation 1575597 (VCV001575597.9), dbSNP rs2141815244, ClinGen allele CA492290169.